The following is an entry in ClinVar:

NM_022436.3(ABCG5):c.656C>G (p.Pro219Arg)

Genes: ABCG5 (ATP binding cassette subfamily G member 5; minus strand), DYNC2LI1 (dynein cytoplasmic 2 light intermediate chain 1; plus strand). Cytogenetic location: 2p21.
Variant type: single nucleotide variant.
Coding change: c.656C>G on transcript NM_022436.3 (MANE Select); coding-DNA position 656, C replaced by G.
Protein change: p.Pro219Arg; replaces proline 219 with arginine.
Molecular consequence: missense variant. On other transcripts: intron variant (2).
Genome position (GRCh38, 1-based): chr2:43,826,500, G>C on the plus strand (C>G on the coding strand, the complement: ABCG5 is on the minus strand). VCF-style: chr2-43826500-G-C. GRCh37 (hg19) VCF-style: chr2-44053639-G-C.
Other names: c.656C>G (NM_022436.2); c.*16-886G>C (NM_001348913.2, NM_001348912.2); short protein forms P219R.
Identifiers: ClinVar variation 2959394 (VCV002959394.5), dbSNP rs1487073918, ClinGen allele CA346666661.

ClinVar aggregate classification (germline): Uncertain significance. Review status: criteria provided, multiple submitters, no conflicts (2 of 4 stars). 3 submissions from 3 submitters: Uncertain significance (3). Last evaluated 2025-01-13.

Conditions:
Sitosterolemia (STSL). Also called: PHYTOSTEROLEMIA. Identifiers: Orphanet 2882, MedGen C0342907, MONDO:0008863.
Cardiovascular phenotype. Identifiers: MedGen CN230736.
Sitosterolemia 2. Identifiers: MedGen C5231453, MONDO:0020748, OMIM 618666.

Allele frequency attached by ClinVar (database versions not stated): gnomAD exomes 0.00001; gnomAD 0.00001.
gnomAD v4.1: 5 of 1,614,086 alleles (0.00031%); highest among the groups gnomAD compares: Non-Finnish European, 0.00034%; no homozygotes.

Submissions (3):

Labcorp Genetics (formerly Invitae), Labcorp
Classification: Uncertain significance for Sitosterolemia. Last evaluated: 2025-01-13. Review status: criteria provided, single submitter. Criteria: Invitae Variant Classification Sherloc (09022015). Collection method: clinical testing. Allele origin: germline.
Comment: This sequence change replaces proline, which is neutral and non-polar, with arginine, which is basic and polar, at codon 219 of the ABCG5 protein (p.Pro219Arg). This variant is present in population databases (no rsID available, gnomAD 0.007%). This variant has not been reported in the literature in individuals affected with ABCG5-related conditions. ClinVar contains an entry for this variant (Variation ID: 2959394). An algorithm developed to predict the effect of missense changes on protein structure and function (PolyPhen-2) suggests that this variant is likely to be disruptive. In summary, the available evidence is currently insufficient to determine the role of this variant in disease. Therefore, it has been classified as a Variant of Uncertain Significance.

Ambry Genetics
Classification: Uncertain significance for Cardiovascular phenotype. Last evaluated: 2024-12-14. Review status: criteria provided, single submitter. Criteria: Ambry Variant Classification Scheme 2023. Collection method: clinical testing. Allele origin: germline.
Comment: The p.P219R variant (also known as c.656C>G), located in coding exon 6 of the ABCG5 gene, results from a C to G substitution at nucleotide position 656. The proline at codon 219 is replaced by arginine, an amino acid with dissimilar properties. This amino acid position is conserved. In addition, this alteration is predicted to be deleterious by in silico analysis. Based on the available evidence, the clinical significance of this variant remains unclear.

Fulgent Genetics
Classification: Uncertain significance for Sitosterolemia 2. Last evaluated: 2024-04-09. Review status: criteria provided, single submitter. Criteria: ACMG Guidelines, 2015. Collection method: clinical testing. Allele origin: germline.